The following is an entry in ClinVar:

ClinVar aggregate classification (germline): Pathogenic. Review status: criteria provided, multiple submitters, no conflicts (2 of 4 stars). 17 submissions from 16 submitters: Pathogenic (12). 5 of the submissions do not count toward it. Last evaluated 2025-09-05.

Conditions:
MYH9-related disorder. Identifiers: MedGen C1854520.
Macrothrombocytopenia and granulocyte inclusions with or without nephritis or sensorineural hearing loss (MATINS). Also called: BLEEDING DISORDER, PLATELET-TYPE, 6; DOHLE LEUKOCYTE INCLUSIONS WITH GIANT PLATELETS; MYH9-Related Disease (MYH9-RD); Fechtner syndrome; Epstein syndrome; Giant platelet syndrome with thrombocytopenia. Identifiers: Orphanet 182050, MedGen C5200934, MONDO:0015912, OMIM 155100.
Autosomal dominant nonsyndromic hearing loss 17. Also called: Deafness, autosomal dominant 17; Autosomal dominant nonsyndromic deafness 17. Identifiers: Orphanet 90635, MedGen C1863659, MONDO:0011350, OMIM 603622.

Submissions (17):

Labcorp Genetics (formerly Invitae), Labcorp
Classification: Pathogenic. Last evaluated: 2025-09-05. Review status: criteria provided, single submitter. Criteria: Invitae Variant Classification Sherloc (09022015). Collection method: clinical testing. Allele origin: germline.
Comment: This sequence change replaces arginine, which is basic and polar, with cysteine, which is neutral and slightly polar, at codon 702 of the MYH9 protein (p.Arg702Cys). This variant is not present in population databases (gnomAD no frequency). This missense change has been observed in individual(s) with clinical features of MYH9-related disorders (PMID: 10973259). In at least one individual the variant was observed to be de novo. ClinVar contains an entry for this variant (Variation ID: 14078). Invitae Evidence Modeling of protein sequence and biophysical properties (such as structural, functional, and spatial information, amino acid conservation, physicochemical variation, residue mobility, and thermodynamic stability) indicates that this missense variant is expected to disrupt MYH9 protein function with a positive predictive value of 95%. This variant disrupts the p.Arg702 amino acid residue in MYH9. Other variant(s) that disrupt this residue have been determined to be pathogenic (PMID: 11590545, 11935325, 26387855). This suggests that this residue is clinically significant, and that variants that disrupt this residue are likely to be disease-causing. For these reasons, this variant has been classified as Pathogenic.

PreventionGenetics, part of Exact Sciences
Classification: Pathogenic for MYH9-related condition. Last evaluated: 2025-07-21. Review status: criteria provided, single submitter. Criteria: ACMG Guidelines, 2015. Collection method: clinical testing. Allele origin: germline.
Comment: The MYH9 c.2104C>T variant is predicted to result in the amino acid substitution p.Arg702Cys. This variant is located in a highly conserved region of the MYH9 protein and has been reported to be causative for MYH9-related disorders in numerous patients (Seri et al. 2000. PubMedID: 10973259; Heath et al. 2001. PubMedID: 11590545; Seri et al. 2003. PubMedID: 12792306; Dong et al. 2005. PubMedID: 16098078; Pecci et al. 2008. PubMedID: 18059020). Two mouse models of the p.Arg702Cys variant recapitulate the macrothrombocytopenia phenotype seen in the patients (Suzuki et al. 2013. PubMed ID: 23976996; Pal et al. 2020. PubMed ID: 32315395). This variant has not been reported in a large population database (gnomAD), indicating this variant is rare. This variant is interpreted as pathogenic.

Genetics and Molecular Pathology, SA Pathology
Classification: Pathogenic for Macrothrombocytopenia and granulocyte inclusions with or without nephritis or sensorineural hearing loss. Last evaluated: 2022-09-16. Review status: criteria provided, single submitter. Criteria: ACMG Guidelines, 2015. Collection method: clinical testing. Allele origin: germline. Inheritance: Autosomal dominant inheritance. Affected: yes.
Comment: The MYH9 c.2104C>T variant is a single nucleotide change in exon 17/41 of the MYH9 gene, which is predicted to change the amino acid arginine at position 702 in the protein to cysteine. This variant occurs in a conserved amino acid residue in the globular-head domain of the myosin heavy chain IIA protein (PMID:11590545) (PM1). This variant is absent from population databases (PM2). The variant has been reported in several individuals and is associated with MYH9-related syndromes, including May-Hegglin anomaly (MHA) and Fechtner Syndrome (FTNS) (PMID:11590545; 24186861; 11935325) Heath et al. (PMID:11590545) reported this mutation in 6 of 20 families with Fechtner syndrome (PS4). Computational predictions support a deleterious effect on the gene or gene product (PP3). Studies of mice heterozygous for this mutation showed macrothrombocytopenia, impaired proplatelet formation, albuminuria, glomerulosclerosis, and sensory hearing loss (PMID:21908426; 23976996) (PS3). This variant is a novel missense change at an amino acid residue where a different missense change has been seen before (c.2104C>A; p. Arg702Ser) (PM4). This missense change has been observed in individuals with clinical features of MYH9-related disorders (PMID:10973259). In at least one individual the variant was observed to be de novo (PM6). The variant has been reported in dbSNP (rs80338826). The variant has been reported in ClinVar database as pathogenic (Variation ID:14078) and in the HGMD database (CM002370 as a disease causing variant with the phenotype of Fechtner syndrome.

3billion
Classification: Pathogenic for Macrothrombocytopenia and granulocyte inclusions with or without nephritis or sensorineural hearing loss. Last evaluated: 2022-09-01. Review status: criteria provided, single submitter. Criteria: ACMG Guidelines, 2015. Collection method: clinical testing. Allele origin: germline. Affected: yes. Observed: 1 heterozygote.
Comment: The variant is not observed in the gnomAD v2.1.1 dataset. Missense changes are a common disease-causing mechanism. In silico tool predictions suggest damaging effect of the variant on gene or gene product (REVEL: 0.88; 3Cnet: 0.73). The variant has been observed in multiple (>3) similarly affected unrelated individuals (PMID: 24186861). Different missense changes at the same codon (p.Arg702His, p.Arg702Ser) have been reported as pathogenic/likely pathogenic with strong evidence (ClinVar ID: VCV000014081 , VCV000627035). Therefore, this variant is classified as Pathogenic according to the recommendation of ACMG/AMP guideline.

Fulgent Genetics
Classification: Pathogenic for Macrothrombocytopenia and granulocyte inclusions with or without nephritis or sensorineural hearing loss; Autosomal dominant nonsyndromic hearing loss 17. Last evaluated: 2021-08-09. Review status: criteria provided, single submitter. Criteria: ACMG Guidelines, 2015. Collection method: clinical testing. Allele origin: unknown.

Baylor Genetics
Classification: Pathogenic for Macrothrombocytopenia and granulocyte inclusions with or without nephritis or sensorineural hearing loss. Last evaluated: 2021-04-26. Review status: criteria provided, single submitter. Criteria: ACMG Guidelines, 2015. Collection method: clinical testing. Allele origin: unknown.

Baylor Genetics
Classification: Pathogenic for Autosomal dominant nonsyndromic hearing loss 17. Last evaluated: 2021-04-26. Review status: criteria provided, single submitter. Criteria: ACMG Guidelines, 2015. Collection method: clinical testing. Allele origin: unknown.

Blueprint Genetics
Classification: Pathogenic for MYH9-related disorders. Last evaluated: 2020-10-14. Review status: criteria provided, single submitter. Criteria: ACMG Guidelines, 2015. Collection method: clinical testing. Allele origin: germline. Affected: yes. Observed: 2 variant alleles.

Mendelics
Classification: Pathogenic for Macrothrombocytopenia and granulocyte inclusions with or without nephritis or sensorineural hearing loss. Last evaluated: 2019-05-28. Review status: criteria provided, single submitter. Criteria: Mendelics Assertion Criteria 2017. Collection method: clinical testing. Allele origin: unknown.

NIHR Bioresource Rare Diseases, University of Cambridge
Classification: Pathogenic for MYH9-related disorder. Last evaluated: 2018-12-12. Review status: criteria provided, single submitter. Criteria: ACMG Guidelines, 2015. Collection method: research. Allele origin: unknown. Inheritance: Autosomal dominant inheritance. Affected: yes. Observed: 2 heterozygotes.
Comment: PS4, PS3, PM2, PP4, PP3

GeneDx
Classification: Pathogenic. Last evaluated: 2017-09-28. Review status: criteria provided, single submitter. Criteria: GeneDx Variant Classification (06012015). Collection method: clinical testing. Allele origin: germline. Affected: yes.
Comment: The R702C variant in the MYH9 gene has been reported previously in association with MYH9-related disorder, including as an apparently de novo variant in one individual (Seri et al., 2000; Heath et al., 2001; Seri et al., 2003). The R702C variant is not observed in large population cohorts (Lek et al., 2016). The R702C variant is a non-conservative amino acid substitution, which is likely to impact secondary protein structure as these residues differ in polarity, charge, size and/or other properties. This substitution occurs at a position that is conserved across species and is within the myosin motor domain. Studies of mice heterozgyous for R702C show macrothrombocytopenia, impaired proplatelet formation, and the mice displayed albuminuria, glomerulosclerosis, and sensory hearing loss (Zhang et al., 2012; Suzuki et al., 2013). We interpret R702C as a pathogenic variant.

ISTH-SSC Genomics in Thrombosis and Hemostasis, KU Leuven, Center for Molecular and Vascular Biology
Classification: Pathogenic for Macrothrombocytopenia and granulocyte inclusions with or without nephritis or sensorineural hearing loss. Review status: criteria provided, single submitter. Criteria: ACMG Guidelines, 2015. Collection method: clinical testing. Allele origin: germline. Affected: yes. Observed: 1 heterozygote.
Comment: Submitted to GoldVariant by Jose María Bastida and José Rivera; Grupo Español de Alteraciones Plaquetarias Congénitas (GEAPC)

Bioscientia Institut fuer Medizinische Diagnostik GmbH, Sonic Healthcare
Classification: Pathogenic for Macrothrombocytopenia and granulocyte inclusions with or without nephritis or sensorineural hearing loss. Last evaluated: 2018-03-20. Review status: no assertion criteria provided. Collection method: clinical testing. Allele origin: germline. Affected: yes. Not counted in ClinVar's aggregate classification.

OMIM
Classification: Pathogenic for MACROTHROMBOCYTOPENIA AND GRANULOCYTE INCLUSIONS WITH OR WITHOUT NEPHRITIS OR SENSORINEURAL HEARING LOSS. Last evaluated: 2003-05-01. Review status: no assertion criteria provided. Collection method: literature only. Allele origin: germline. Not counted in ClinVar's aggregate classification.

Clinical Genetics DNA and cytogenetics Diagnostics Lab, Erasmus MC, Erasmus Medical Center
Classification: Pathogenic. Review status: no assertion criteria provided. Collection method: clinical testing. Allele origin: germline. Affected: yes. Study: VKGL Data-share Consensus. Not counted in ClinVar's aggregate classification.

GeneReviews
No classification provided. Condition: Macrothrombocytopenia and granulocyte inclusions with or without nephritis or sensorineural hearing loss. Review status: no classification provided. Collection method: literature only. Allele origin: germline. Not counted in ClinVar's aggregate classification.
Comment: Associated with most severe phenotype

Joint Genome Diagnostic Labs from Nijmegen and Maastricht, Radboudumc and MUMC+
Classification: Pathogenic. Review status: no assertion criteria provided. Collection method: clinical testing. Allele origin: germline. Affected: yes. Study: VKGL Data-share Consensus. Not counted in ClinVar's aggregate classification.

Literature cited by the submitters: PubMed 10973259 (cited by 3 submitters); PubMed 11590545 (cited by 3 submitters); PubMed 11935325 (cited by Labcorp Genetics (formerly Invitae), Labcorp); PubMed 26387855 (cited by Labcorp Genetics (formerly Invitae), Labcorp); PubMed 21908426 (cited by Genetics and Molecular Pathology, SA Pathology); PubMed 24186861 (cited by 3billion); PubMed 10603121 (cited by OMIM); Epstein, C. J. Personal Communication. 2002. San Francisco, Ca. (cited by OMIM); PubMed 5011389 (cited by OMIM); PubMed 12792306 (cited by OMIM); NCBI Bookshelf NBK2689 (cited by GeneReviews).

NM_002473.6(MYH9):c.2104C>T (p.Arg702Cys)

Gene: MYH9 (myosin heavy chain 9; minus strand). Cytogenetic location: 22q12.3.
Variant type: single nucleotide variant.
Coding change: c.2104C>T on transcript NM_002473.6 (MANE Select); coding-DNA position 2104, C replaced by T.
Protein change: p.Arg702Cys; replaces arginine 702 with cysteine.
Molecular consequence: missense variant.
Genome position (GRCh38, 1-based): chr22:36,305,985, G>A on the plus strand (C>T on the coding strand, the complement: MYH9 is on the minus strand). VCF-style: chr22-36305985-G-A. GRCh37 (hg19) VCF-style: chr22-36702031-G-A.
Other names: short protein forms R702C.
Identifiers: ClinVar variation 14078 (VCV000014078.23), dbSNP rs80338826, ClinGen allele CA257095.